The following is an entry in ClinVar:

ClinVar aggregate classification (germline): Likely pathogenic (1 of 4 stars; one submission).

Submission:

GeneDx
Classification: Likely pathogenic. Last evaluated: 2016-11-14. Review status: criteria provided, single submitter. Criteria: GeneDx Variant Classification (06012015). Collection method: clinical testing. Allele origin: germline. Affected: yes.
Comment: This variant is denoted BRIP1 c.307G>T at the cDNA level and p.Gly103Ter (G103X) at the protein level. The substitution creates a nonsense variant, which changes a Glycine to a premature stop codon (GGA>TGA), and is predicted to cause loss of normal protein function through either protein truncation or nonsense-mediated mRNA decay. Although this variant has not, to our knowledge, been reported in the literature, it is considered likely pathogenic.

NM_032043.3(BRIP1):c.307G>T (p.Gly103Ter)

Gene: BRIP1 (BRCA1 interacting helicase 1; minus strand). Cytogenetic location: 17q23.2.
Variant type: single nucleotide variant.
Coding change: c.307G>T on transcript NM_032043.3 (MANE Select); coding-DNA position 307, G replaced by T.
Protein change: p.Gly103Ter; replaces glycine 103 with a stop codon.
Molecular consequence: nonsense.
Genome position (GRCh38, 1-based): chr17:61,857,130, C>A on the plus strand (G>T on the coding strand, the complement: BRIP1 is on the minus strand). VCF-style: chr17-61857130-C-A. GRCh37 (hg19) VCF-style: chr17-59934491-C-A.
Other names: short protein forms G103*.
Identifiers: ClinVar variation 545988 (VCV000545988.2), dbSNP rs777068696, ClinGen allele CA400485401.